The following is an entry in ClinVar:

ClinVar aggregate classification (germline): Uncertain significance. Review status: criteria provided, multiple submitters, no conflicts (2 of 4 stars). 2 submissions from 2 submitters: Uncertain significance (2). Last evaluated 2025-03-14.

Conditions:
Inborn genetic diseases. Identifiers: MedGen C0950123, MeSH D030342.

Allele frequency attached by ClinVar (database versions not stated): TOPMed 0.00012; gnomAD 0.00015; 1000 Genomes Project 30x 0.00016; 1000 Genomes Project 0.00020; ExAC 0.00039.
gnomAD v4.1: 249 of 1,613,440 alleles (0.015%); highest among the groups gnomAD compares: East Asian, 0.1%; no homozygotes.

Submissions (2):

Ambry Genetics
Classification: Uncertain significance for Inborn genetic diseases. Last evaluated: 2025-03-14. Review status: criteria provided, single submitter. Criteria: Ambry Variant Classification Scheme 2023. Collection method: clinical testing. Allele origin: germline.

GeneDx
Classification: Uncertain significance. Last evaluated: 2023-10-11. Review status: criteria provided, single submitter. Criteria: GeneDx Variant Classification Process June 2021. Collection method: clinical testing. Allele origin: germline. Affected: yes.
Comment: Has not been previously published as pathogenic or benign to our knowledge; In silico analysis supports that this missense variant does not alter protein structure/function

NM_014738.6(TMEM94):c.1163G>A (p.Arg388Lys)

Gene: TMEM94 (transmembrane protein 94; plus strand). Cytogenetic location: 17q25.1.
Variant type: single nucleotide variant.
Coding change: c.1163G>A on transcript NM_014738.6 (MANE Select); coding-DNA position 1163, G replaced by A.
Protein change: p.Arg388Lys; replaces arginine 388 with lysine.
Molecular consequence: missense variant.
Genome position (GRCh38, 1-based): chr17:75,491,083, G>A. VCF-style: chr17-75491083-G-A. GRCh37 (hg19) VCF-style: chr17-73487164-G-A.
Other names: c.1193G>A, p.Arg398Lys (NM_001321148.2, NM_001351203.2); c.1163G>A, p.Arg388Lys (NM_001321149.2, NM_001351202.2); c.1163G>A (NM_014738.4); short protein forms R388K, R398K.
Identifiers: ClinVar variation 3252902 (VCV003252902.2), dbSNP rs199842943.